The following is an entry in ClinVar:

NM_005751.5(AKAP9):c.6652G>A (p.Glu2218Lys)

Gene: AKAP9 (A-kinase anchoring protein 9; plus strand). Cytogenetic location: 7q21.2.
Variant type: single nucleotide variant.
Coding change: c.6652G>A on transcript NM_005751.5 (MANE Select); coding-DNA position 6652, G replaced by A.
Protein change: p.Glu2218Lys; replaces glutamic acid 2218 with lysine.
Molecular consequence: missense variant.
Genome position (GRCh38, 1-based): chr7:92,076,894, G>A. VCF-style: chr7-92076894-G-A. GRCh37 (hg19) VCF-style: chr7-91706208-G-A.
Other names: c.1297G>A, p.Glu433Lys (NM_001379277.1); c.6628G>A, p.Glu2210Lys (NM_147185.3); short protein forms E2218K, E433K, E2210K.
Identifiers: ClinVar variation 1754699 (VCV001754699.2), dbSNP rs1487087847, ClinGen allele CA368132889.
Genomic context (GRCh38, chr7:92,076,894, plus strand): 5'-TTGATAATTTTGTTATTAAAGATTACAAACTTAGAAGAGCAATTAGAACAGTTTAGAGAA[G>A]AACTGGAAAATAAGAATGAAGAAGTTCAACAATTACATATGCAATTAGAAATACAGAAAA-3'
Protein context (NP_005742.4, residues 2208-2228): LEEQLEQFRE[Glu2218Lys]LENKNEEVQQ

ClinVar aggregate classification (germline): Uncertain significance (1 of 4 stars; one submission).

Conditions:
Cardiovascular phenotype. Identifiers: MedGen CN230736.

Submission:

Ambry Genetics
Classification: Uncertain significance for Cardiovascular phenotype. Last evaluated: 2021-11-14. Review status: criteria provided, single submitter. Criteria: Ambry Variant Classification Scheme 2023. Collection method: clinical testing. Allele origin: germline.
Comment: The p.E2218K variant (also known as c.6652G>A), located in coding exon 29 of the AKAP9 gene, results from a G to A substitution at nucleotide position 6652. The glutamic acid at codon 2218 is replaced by lysine, an amino acid with similar properties. This amino acid position is conserved. In addition, this alteration is predicted to be tolerated by in silico analysis. Since supporting evidence is limited at this time, the clinical significance of this alteration remains unclear.